The following is an entry in ClinVar:

ClinVar aggregate classification (germline): Pathogenic. Review status: criteria provided, multiple submitters, no conflicts (2 of 4 stars). 2 submissions from 2 submitters: Pathogenic (2). Last evaluated 2024-04-08.

Conditions:
Ataxia-telangiectasia syndrome (AT). Also called: LOUIS-BAR SYNDROME; Cerebello-oculocutaneous telangiectasia; Immunodeficiency with ataxia telangiectasia; Ataxia-telangiectasia, complementation group E; Ataxia-telangiectasia, complementation group D; AT, COMPLEMENTATION GROUP C. Identifiers: Orphanet 100, MedGen C0004135, MONDO:0008840, OMIM 208900.
Hereditary cancer-predisposing syndrome. Also called: Hereditary Cancer Syndrome; Hereditary neoplastic syndrome; Neoplastic Syndromes, Hereditary; Tumor predisposition. Identifiers: Orphanet 140162, MedGen C0027672, MeSH D009386, MONDO:0015356.

Submissions (2):

Labcorp Genetics (formerly Invitae), Labcorp
Classification: Pathogenic for Ataxia-telangiectasia syndrome. Last evaluated: 2024-04-08. Review status: criteria provided, single submitter. Criteria: Invitae Variant Classification Sherloc (09022015). Collection method: clinical testing. Allele origin: germline.
Comment: This sequence change creates a premature translational stop signal (p.Ala2454Hisfs*2) in the ATM gene. It is expected to result in an absent or disrupted protein product. Loss-of-function variants in ATM are known to be pathogenic (PMID: 23807571, 25614872). This variant is not present in population databases (gnomAD no frequency). This variant has not been reported in the literature in individuals affected with ATM-related conditions. ClinVar contains an entry for this variant (Variation ID: 2568206). For these reasons, this variant has been classified as Pathogenic.

Ambry Genetics
Classification: Pathogenic for Hereditary cancer-predisposing syndrome. Last evaluated: 2023-05-12. Review status: criteria provided, single submitter. Criteria: Ambry Variant Classification Scheme 2023. Collection method: clinical testing. Allele origin: germline.
Comment: The c.7359delT pathogenic mutation, located in coding exon 49 of the ATM gene, results from a deletion of one nucleotide at nucleotide position 7359, causing a translational frameshift with a predicted alternate stop codon (p.A2454Hfs*2). This alteration is expected to result in loss of function by premature protein truncation or nonsense-mediated mRNA decay. As such, this alteration is interpreted as a disease-causing mutation.

Literature cited by the submitters: PubMed 23807571 (cited by Labcorp Genetics (formerly Invitae), Labcorp); PubMed 25614872 (cited by Labcorp Genetics (formerly Invitae), Labcorp).

NM_000051.4(ATM):c.7359del (p.Ala2454fs)

Genes: ATM (ATM serine/threonine kinase; plus strand), C11orf65 (chromosome 11 open reading frame 65; minus strand). Cytogenetic location: 11q22.3.
Variant type: Deletion.
Coding change: c.7359del on transcript NM_000051.4 (MANE Select); coding-DNA position 7359, one base deleted (T; older notation c.7359delT).
Protein change: p.Ala2454fs; shifts the reading frame from alanine 2454.
Molecular consequence: frameshift variant. On other transcripts: intron variant (2).
Genome position (GRCh38, 1-based): chr11:108,330,265, T deleted. VCF-style (leftmost placement, unchanged base first): chr11-108330264-GT-G. GRCh37 (hg19) VCF-style: chr11-108200991-GT-G.
Other names: c.7359del, p.Ala2454fs (NM_001351834.2); c.641-21194del (NM_001330368.2); c.*38+4955del (NM_001351110.2); short protein forms A2454fs.
Identifiers: ClinVar variation 2568206 (VCV002568206.4), dbSNP rs2547261432, ClinGen allele CA2580615032.